The following is an entry in ClinVar:

ClinVar aggregate classification (germline): Uncertain significance. Review status: criteria provided, multiple submitters, no conflicts (2 of 4 stars). 2 submissions from 2 submitters: Uncertain significance (2). Last evaluated 2023-06-11.

Conditions:
Cardiovascular phenotype. Identifiers: MedGen CN230736.
Wolman disease (WOLD). Also called: LYSOSOMAL ACID LIPASE DEFICIENCY, ACUTE INFANTILE; LYSOSOMAL ACID LIPASE DEFICIENCY, COMPLETE; LIPA DEFICIENCY, COMPLETE; LAL DEFICIENCY, COMPLETE; CHOLESTEROL ESTER HYDROLASE DEFICIENCY, COMPLETE; Infantile-Onset LAL-D (Wolman Disease). Identifiers: Orphanet 75233, MedGen C0043208, MONDO:0019148, OMIM 620151.

Allele frequency attached by ClinVar (database versions not stated): gnomAD exomes below 0.00001.
gnomAD v4.1: 3 of 1,606,266 alleles (0.00019%); highest among the groups gnomAD compares: Non-Finnish European, 0.00026%; no homozygotes.

Submissions (2):

Ambry Genetics
Classification: Uncertain significance for Cardiovascular phenotype. Last evaluated: 2023-06-11. Review status: criteria provided, single submitter. Criteria: Ambry Variant Classification Scheme 2023. Collection method: clinical testing. Allele origin: germline.
Comment: The p.F302V variant (also known as c.904T>G), located in coding exon 8 of the LIPA gene, results from a T to G substitution at nucleotide position 904. The phenylalanine at codon 302 is replaced by valine, an amino acid with highly similar properties. This amino acid position is conserved. In addition, this alteration is predicted to be tolerated by in silico analysis. Since supporting evidence is limited at this time, the clinical significance of this alteration remains unclear.

Labcorp Genetics (formerly Invitae), Labcorp
Classification: Uncertain significance for Wolman disease. Last evaluated: 2021-09-01. Review status: criteria provided, single submitter. Criteria: Invitae Variant Classification Sherloc (09022015). Collection method: clinical testing. Allele origin: germline.
Comment: This sequence change replaces phenylalanine with valine at codon 302 of the LIPA protein (p.Phe302Val). The phenylalanine residue is weakly conserved and there is a small physicochemical difference between phenylalanine and valine. This variant is not present in population databases (ExAC no frequency). This variant has not been reported in the literature in individuals affected with LIPA-related conditions. Algorithms developed to predict the effect of missense changes on protein structure and function (SIFT, PolyPhen-2, Align-GVGD) all suggest that this variant is likely to be tolerated. In summary, the available evidence is currently insufficient to determine the role of this variant in disease. Therefore, it has been classified as a Variant of Uncertain Significance.

NM_000235.4(LIPA):c.904T>G (p.Phe302Val)

Gene: LIPA (lipase A, lysosomal acid type; minus strand). Cytogenetic location: 10q23.31.
Variant type: single nucleotide variant.
Coding change: c.904T>G on transcript NM_000235.4 (MANE Select); coding-DNA position 904, T replaced by G.
Protein change: p.Phe302Val; replaces phenylalanine 302 with valine.
Molecular consequence: missense variant.
Genome position (GRCh38, 1-based): chr10:89,216,000, A>C on the plus strand (T>G on the coding strand, the complement: LIPA is on the minus strand). VCF-style: chr10-89216000-A-C. GRCh37 (hg19) VCF-style: chr10-90975757-A-C.
Other names: c.904T>G, p.Phe302Val (NM_001127605.3); c.556T>G, p.Phe186Val (NM_001288979.2); c.904T>G (NM_000235.2); short protein forms F186V, F302V.
Identifiers: ClinVar variation 1006708 (VCV001006708.8), dbSNP rs1187189503, ClinGen allele CA377516602.